The following is an entry in ClinVar:

NM_000168.6(GLI3):c.3243C>G (p.Asp1081Glu)

Gene: GLI3 (GLI family zinc finger 3; minus strand). Cytogenetic location: 7p14.1.
Variant type: single nucleotide variant.
Coding change: c.3243C>G on transcript NM_000168.6 (MANE Select); coding-DNA position 3243, C replaced by G.
Protein change: p.Asp1081Glu; replaces aspartic acid 1081 with glutamic acid.
Molecular consequence: missense variant.
Genome position (GRCh38, 1-based): chr7:41,965,830, G>C on the plus strand (C>G on the coding strand, the complement: GLI3 is on the minus strand). VCF-style: chr7-41965830-G-C. GRCh37 (hg19) VCF-style: chr7-42005428-G-C.
Other names: short protein forms D1081E.
Identifiers: ClinVar variation 1708770 (VCV001708770.3), dbSNP rs1275283938, ClinGen allele CA367318860.

ClinVar aggregate classification (germline): Uncertain significance. Review status: criteria provided, multiple submitters, no conflicts (2 of 4 stars). 2 submissions from 2 submitters: Uncertain significance (2). Last evaluated 2024-06-11.

Conditions:
Polysyndactyly 4. Also called: Polysyndactyly uncomplicated; Preaxial polydactyly 4. Identifiers: Orphanet 93338, MedGen C1868111, MONDO:0008272, OMIM 174700.
Polydactyly, postaxial, type A1. Identifiers: MedGen C4282400, MONDO:0008266, OMIM 174200.
Pallister-Hall syndrome (PHS). Also called: HYPOTHALAMIC HAMARTOBLASTOMA, HYPOPITUITARISM, IMPERFORATE ANUS, AND POSTAXIAL POLYDACTYLY; GLI3-Related Pallister-Hall Syndrome. Identifiers: Orphanet 672, MedGen C0265220, MONDO:0007804, OMIM 146510.
Greig cephalopolysyndactyly syndrome (GCPS). Also called: POLYSYNDACTYLY WITH PECULIAR SKULL SHAPE; GLI3-Related Greig Cephalopolysyndactyly Syndrome; Greig syndrome. Identifiers: Orphanet 380, MedGen C0265306, MONDO:0008287, OMIM 175700.

Submissions (2):

Fulgent Genetics
Classification: Uncertain significance for Pallister-Hall syndrome; Polydactyly, postaxial, type A1; Polysyndactyly 4; Greig cephalopolysyndactyly syndrome. Last evaluated: 2024-06-11. Review status: criteria provided, single submitter. Criteria: ACMG Guidelines, 2015. Collection method: clinical testing. Allele origin: germline.

GeneDx
Classification: Uncertain significance. Last evaluated: 2022-04-07. Review status: criteria provided, single submitter. Criteria: GeneDx Variant Classification Process June 2021. Collection method: clinical testing. Allele origin: germline. Affected: yes.
Comment: Not observed at significant frequency in large population cohorts (gnomAD); In silico analysis supports that this missense variant does not alter protein structure/function; Has not been previously published as pathogenic or benign to our knowledge